The following is an entry in ClinVar:

ClinVar aggregate classification (germline): Uncertain significance (1 of 4 stars; one submission).

gnomAD v4.1: 5 of 1,614,058 alleles (0.00031%); highest among the groups gnomAD compares: African/African-American, 0.0053%; no homozygotes.

Submission:

Labcorp Genetics (formerly Invitae), Labcorp
Classification: Uncertain significance. Last evaluated: 2026-01-22. Review status: criteria provided, single submitter. Criteria: Invitae Variant Classification Sherloc (09022015). Collection method: clinical testing. Allele origin: germline.
Comment: This sequence change replaces valine, which is neutral and non-polar, with methionine, which is neutral and non-polar, at codon 403 of the SERPING1 protein (p.Val403Met). This variant is present in population databases (rs369289151, gnomAD 0.008%). This variant has not been reported in the literature in individuals affected with SERPING1-related conditions. Invitae Evidence Modeling of protein sequence and biophysical properties (such as structural, functional, and spatial information, amino acid conservation, physicochemical variation, residue mobility, and thermodynamic stability) has been performed for this missense variant. However, the output from this modeling did not meet the statistical confidence thresholds required to predict the impact of this variant on SERPING1 protein function. In summary, the available evidence is currently insufficient to determine the role of this variant in disease. Therefore, it has been classified as a Variant of Uncertain Significance.

NM_000062.3(SERPING1):c.1207G>A (p.Val403Met)

Gene: SERPING1 (serpin family G member 1; plus strand). Cytogenetic location: 11q12.1.
Variant type: single nucleotide variant.
Coding change: c.1207G>A on transcript NM_000062.3 (MANE Select); coding-DNA position 1207, G replaced by A.
Protein change: p.Val403Met; replaces valine 403 with methionine.
Molecular consequence: missense variant.
Genome position (GRCh38, 1-based): chr11:57,611,894, G>A. VCF-style: chr11-57611894-G-A. GRCh37 (hg19) VCF-style: chr11-57379367-G-A.
Other names: c.1207G>A, p.Val403Met (NM_001032295.2); short protein forms V403M.
Identifiers: ClinVar variation 4694228 (VCV004694228.1).